The following is an entry in ClinVar:

NM_001194998.2(CEP152):c.925A>C (p.Lys309Gln)

Gene: CEP152 (centrosomal protein 152; minus strand). Cytogenetic location: 15q21.1.
Variant type: single nucleotide variant.
Coding change: c.925A>C on transcript NM_001194998.2 (MANE Select); coding-DNA position 925, A replaced by C.
Protein change: p.Lys309Gln; replaces lysine 309 with glutamine.
Molecular consequence: missense variant.
Genome position (GRCh38, 1-based): chr15:48,791,284, T>G on the plus strand (A>C on the coding strand, the complement: CEP152 is on the minus strand). VCF-style: chr15-48791284-T-G. GRCh37 (hg19) VCF-style: chr15-49083481-T-G.
Other names: c.925A>C (NM_001194998.1); c.925A>C, p.Lys309Gln (NM_014985.4); short protein forms K309Q.
Identifiers: ClinVar variation 316429 (VCV000316429.24), dbSNP rs199862615, ClinGen allele CA7548993.
Genomic context (GRCh38, chr15:48,791,284, plus strand): 5'-TTAAAATAGGTACCTGTTCTTCATTGACTTTTAATGCTTGTATCTGAGTCTCCAGTGCTT[T>G]TATTTGAGCTTCAAGCTGTATCTCTCTTTCTTTTCCATTCTGAAAGAGTTTCTGTGATTC-3'
Protein context (NP_001181927.1, residues 299-319): EREIQLEAQI[Lys309Gln]ALETQIQALK

ClinVar aggregate classification (germline): Conflicting classifications of pathogenicity. Review status: criteria provided, conflicting classifications (1 of 4 stars). 9 submissions from 8 submitters: Uncertain significance (2); Benign (1); Likely benign (3). 3 of the submissions do not count toward it. Last evaluated 2025-07-30.

Conditions:
CEP152-related disorder. Also called: CEP152-related condition; CEP152-related disorders. Identifiers: MedGen CN239248.
Seckel syndrome 5 (SCKL5). Identifiers: Orphanet 808, MedGen C3151187, MONDO:0013443, OMIM 613823.
Inborn genetic diseases. Identifiers: MedGen C0950123, MeSH D030342.
Microcephaly 9, primary, autosomal recessive. Identifiers: Orphanet 2512, MedGen C3553886, MONDO:0013923, OMIM 614852.

Allele frequency attached by ClinVar (database versions not stated): gnomAD exomes 0.00011 and 0.00026; ExAC 0.00027; ESP Exome Variant Server 0.00102; gnomAD 0.00113 and 0.00118; 1000 Genomes Project 0.00120; TOPMed 0.00123; 1000 Genomes Project 30x 0.00156.
gnomAD v4.1: 343 of 1,613,102 alleles (0.021%); highest among the groups gnomAD compares: African/African-American, 0.41%; 2 homozygotes.

Submissions (9):

Labcorp Genetics (formerly Invitae), Labcorp
Classification: Benign. Last evaluated: 2025-07-30. Review status: criteria provided, single submitter. Criteria: Invitae Variant Classification Sherloc (09022015). Collection method: clinical testing. Allele origin: germline.

Ambry Genetics
Classification: Likely benign for Inborn genetic diseases. Last evaluated: 2022-06-13. Review status: criteria provided, single submitter. Criteria: Ambry Variant Classification Scheme 2023. Collection method: clinical testing. Allele origin: germline.

GeneDx
Classification: Likely benign. Last evaluated: 2019-07-01. Review status: criteria provided, single submitter. Criteria: GeneDx Variant Classification Process June 2021. Collection method: clinical testing. Allele origin: germline. Affected: yes.

Illumina Laboratory Services, Illumina
Classification: Uncertain significance for Microcephaly 9, primary, autosomal recessive. Last evaluated: 2018-01-13. Review status: criteria provided, single submitter. Criteria: ICSL Variant Classification Criteria 13 December 2019. Collection method: clinical testing. Allele origin: germline.

Illumina Laboratory Services, Illumina
Classification: Uncertain significance for Seckel syndrome 5. Last evaluated: 2018-01-13. Review status: criteria provided, single submitter. Criteria: ICSL Variant Classification Criteria 13 December 2019. Collection method: clinical testing. Allele origin: germline.

Eurofins Ntd Llc (ga)
Classification: Likely benign. Last evaluated: 2017-06-13. Review status: criteria provided, single submitter. Criteria: EGL Classification Definitions 2015. Collection method: clinical testing. Allele origin: germline. Observed: 1 variant allele, 1 heterozygote.

PreventionGenetics, part of Exact Sciences
Classification: Likely benign for CEP152-related condition. Last evaluated: 2023-02-24. Review status: no assertion criteria provided. Collection method: clinical testing. Allele origin: germline. Not counted in ClinVar's aggregate classification.
Comment: This variant is classified as likely benign based on ACMG/AMP sequence variant interpretation guidelines (Richards et al. 2015 PMID: 25741868, with internal and published modifications).

Clinical Genetics DNA and cytogenetics Diagnostics Lab, Erasmus MC, Erasmus Medical Center
Classification: Likely benign. Review status: no assertion criteria provided. Collection method: clinical testing. Allele origin: germline. Affected: yes. Study: VKGL Data-share Consensus. Not counted in ClinVar's aggregate classification.

Laboratory of Diagnostic Genome Analysis, Leiden University Medical Center (LUMC)
Classification: Likely benign. Review status: no assertion criteria provided. Collection method: clinical testing. Allele origin: germline. Affected: yes. Study: VKGL Data-share Consensus. Not counted in ClinVar's aggregate classification.